The following is an entry in ClinVar:

ClinVar aggregate classification (germline): Uncertain significance. Review status: criteria provided, multiple submitters, no conflicts (2 of 4 stars). 6 submissions from 5 submitters: Uncertain significance (6). Last evaluated 2024-06-18.

Conditions:
Combined oxidative phosphorylation defect type 13. Also called: Combined oxidative phosphorylation deficiency 13. Identifiers: Orphanet 319514, MedGen C4706283, MONDO:0013977, OMIM 614932.
Autosomal recessive nonsyndromic hearing loss 70. Also called: Deafness, autosomal recessive 70. Identifiers: Orphanet 90636, MedGen C1824925, MONDO:0013978, OMIM 614934.

Allele frequency attached by ClinVar (database versions not stated): gnomAD exomes 0.00003 and 0.00007; ExAC 0.00010; TOPMed 0.00045; gnomAD 0.00034 and 0.00038; ESP Exome Variant Server 0.00046.
gnomAD v4.1: 91 of 1,610,760 alleles (0.0056%); highest among the groups gnomAD compares: African/African-American, 0.11%; no homozygotes.

Submissions (6):

GeneDx
Classification: Uncertain significance. Last evaluated: 2024-06-18. Review status: criteria provided, single submitter. Criteria: GeneDx Variant Classification Process June 2021. Collection method: clinical testing. Allele origin: germline. Affected: yes.
Comment: In silico analysis supports that this missense variant has a deleterious effect on protein structure/function; Has not been previously published as pathogenic or benign to our knowledge

Labcorp Genetics (formerly Invitae), Labcorp
Classification: Uncertain significance. Last evaluated: 2024-01-19. Review status: criteria provided, single submitter. Criteria: Invitae Variant Classification Sherloc (09022015). Collection method: clinical testing. Allele origin: germline.
Comment: This sequence change replaces alanine, which is neutral and non-polar, with glycine, which is neutral and non-polar, at codon 559 of the PNPT1 protein (p.Ala559Gly). This variant is present in population databases (rs149843729, gnomAD 0.1%). This variant has not been reported in the literature in individuals affected with PNPT1-related conditions. ClinVar contains an entry for this variant (Variation ID: 1031031). An algorithm developed to predict the effect of missense changes on protein structure and function (PolyPhen-2) suggests that this variant¬†is likely to be tolerated. In summary, the available evidence is currently insufficient to determine the role of this variant in disease. Therefore, it has been classified as a Variant of Uncertain Significance.

Baylor Genetics
Classification: Uncertain significance for Autosomal recessive nonsyndromic hearing loss 70. Last evaluated: 2023-03-07. Review status: criteria provided, single submitter. Criteria: ACMG Guidelines, 2015. Collection method: clinical testing. Allele origin: unknown.

Institute for Clinical Genetics, University Hospital TU Dresden, University Hospital TU Dresden
Classification: Uncertain significance. Last evaluated: 2021-11-03. Review status: criteria provided, single submitter. Criteria: ACMG Guidelines, 2015. Collection method: clinical testing. Allele origin: germline.

Baylor Genetics
Classification: Uncertain significance for Combined oxidative phosphorylation defect type 13. Last evaluated: 2019-11-13. Review status: criteria provided, single submitter. Criteria: ACMG Guidelines, 2015. Collection method: clinical testing. Allele origin: unknown. Affected: yes.
Comment: This variant was determined to be of uncertain significance according to ACMG Guidelines, 2015 [PMID:25741868].

Blueprint Genetics
Classification: Uncertain significance. Last evaluated: 2019-06-08. Review status: criteria provided, single submitter. Criteria: ACMG Guidelines, 2015. Collection method: clinical testing. Allele origin: germline.

NM_033109.5(PNPT1):c.1676C>G (p.Ala559Gly)

Gene: PNPT1 (polyribonucleotide nucleotidyltransferase 1; minus strand). Cytogenetic location: 2p16.1.
Variant type: single nucleotide variant.
Coding change: c.1676C>G on transcript NM_033109.5 (MANE Select); coding-DNA position 1676, C replaced by G.
Protein change: p.Ala559Gly; replaces alanine 559 with glycine.
Molecular consequence: missense variant.
Genome position (GRCh38, 1-based): chr2:55,646,321, G>C on the plus strand (C>G on the coding strand, the complement: PNPT1 is on the minus strand). VCF-style: chr2-55646321-G-C. GRCh37 (hg19) VCF-style: chr2-55873456-G-C.
Other names: short protein forms A559G.
Identifiers: ClinVar variation 1031031 (VCV001031031.16), dbSNP rs149843729, ClinGen allele CA1667993.